The following is an entry in ClinVar:

NM_001197104.2(KMT2A):c.517C>T (p.Arg173Ter)

Gene: KMT2A (lysine methyltransferase 2A; plus strand). Cytogenetic location: 11q23.3.
Variant type: single nucleotide variant.
Coding change: c.517C>T on transcript NM_001197104.2 (MANE Select); coding-DNA position 517, C replaced by T.
Protein change: p.Arg173Ter; replaces arginine 173 with a stop codon.
Molecular consequence: nonsense.
Genome position (GRCh38, 1-based): chr11:118,471,676, C>T. VCF-style: chr11-118471676-C-T. GRCh37 (hg19) VCF-style: chr11-118342391-C-T.
Other names: c.517C>T, p.Arg173Ter (NM_005933.4); short protein forms R173*.
Identifiers: ClinVar variation 620258 (VCV000620258.4), dbSNP rs1555035511, ClinGen allele CA382806480.

ClinVar aggregate classification (germline): Pathogenic. Review status: criteria provided, multiple submitters, no conflicts (2 of 4 stars). 3 submissions from 3 submitters: Pathogenic (3). Last evaluated 2024-06-30.

Conditions:
Wiedemann-Steiner syndrome (WDSTS). Also called: Growth deficiency and mental retardation with facial dysmorphism. Identifiers: Orphanet 319182, MedGen C1854630, MONDO:0011518, OMIM 605130.

Submissions (3):

GeneDx
Classification: Pathogenic. Last evaluated: 2024-06-30. Review status: criteria provided, single submitter. Criteria: GeneDx Variant Classification Process June 2021. Collection method: clinical testing. Allele origin: germline. Affected: yes.
Comment: Identified in a patient with Wiedemann-Steiner syndrome in published literature (PMID: 33783954); Nonsense variant predicted to result in protein truncation or nonsense mediated decay in a gene for which loss of function is a known mechanism of disease; Not observed at significant frequency in large population cohorts (gnomAD); This variant is associated with the following publications: (PMID: 35586607, Keramida2024[CaseReport], 33783954)

3billion
Classification: Pathogenic for Wiedemann-Steiner syndrome. Last evaluated: 2023-11-27. Review status: criteria provided, single submitter. Criteria: ACMG Guidelines, 2015. Collection method: clinical testing. Allele origin: germline. Affected: yes.
Comment: The variant is not observed in the gnomAD v2.1.1 dataset. Predicted Consequence/Location: Stop-gained (nonsense): predicted to result in a loss or disruption of normal protein function through nonsense-mediated decay (NMD) or protein truncation. Multiple pathogenic variants are reported downstream of the variant. The variant has been reported at least twice as pathogenic without evidence for the classification (ClinVar ID: VCV000620258 /PMID: 33783954). Therefore, this variant is classified as Pathogenic according to the recommendation of ACMG/AMP guideline.

Centre de Biologie Pathologie Génétique, Centre Hospitalier Universitaire de Lille
Classification: Pathogenic for Wiedemann-Steiner syndrome. Review status: criteria provided, single submitter. Criteria: ACMG Guidelines, 2015. Collection method: clinical testing. Allele origin: de novo. Affected: yes.

Literature cited by the submitters: PubMed 33783954 (cited by 3billion).